The following is an entry in ClinVar:

NM_001081550.2(THOC2):c.923A>G (p.Gln308Arg)

Gene: THOC2 (THO complex subunit 2; minus strand). Cytogenetic location: Xq25.
Variant type: single nucleotide variant.
Coding change: c.923A>G on transcript NM_001081550.2 (MANE Select); coding-DNA position 923, A replaced by G.
Protein change: p.Gln308Arg; replaces glutamine 308 with arginine.
Molecular consequence: missense variant.
Genome position (GRCh38, 1-based): chrX:123,668,253, T>C on the plus strand (A>G on the coding strand, the complement: THOC2 is on the minus strand). VCF-style: chrX-123668253-T-C. GRCh37 (hg19) VCF-style: chrX-122802104-T-C.
Other names: short protein forms Q308R.
Identifiers: ClinVar variation 1329003 (VCV001329003.2), dbSNP rs2147807004, ClinGen allele CA414271069.

ClinVar aggregate classification (germline): Uncertain significance. Review status: criteria provided, multiple submitters, no conflicts (2 of 4 stars). 2 submissions from 2 submitters: Uncertain significance (2). Last evaluated 2023-03-06.

Submissions (2):

GeneDx
Classification: Uncertain significance. Last evaluated: 2023-03-06. Review status: criteria provided, single submitter. Criteria: GeneDx Variant Classification Process June 2021. Collection method: clinical testing. Allele origin: germline. Affected: yes.
Comment: Not observed at significant frequency in large population cohorts (gnomAD); In silico analysis supports that this missense variant does not alter protein structure/function; Has not been previously published as pathogenic or benign to our knowledge

Women's Health and Genetics/Laboratory Corporation of America, LabCorp
Classification: Uncertain significance. Last evaluated: 2021-11-06. Review status: criteria provided, single submitter. Criteria: LabCorp Variant Classification Summary - May 2015. Collection method: clinical testing. Allele origin: germline.
Comment: Variant summary: THOC2 c.923A>G (p.Gln308Arg) results in a conservative amino acid change located in the THO complex subunit 2, N-terminal domain (IPR032302) of the encoded protein sequence. Three of five in-silico tools predict a benign effect of the variant on protein function. The variant was absent in 172686 control chromosomes. The available data on variant occurrences in the general population are insufficient to allow any conclusion about variant significance. To our knowledge, no occurrence of c.923A>G in individuals affected with Intellectual Disability and no experimental evidence demonstrating its impact on protein function have been reported. No clinical diagnostic laboratories have submitted clinical-significance assessments for this variant to ClinVar after 2014. Based on the evidence outlined above, the variant was classified as uncertain significance.